The following is an entry in ClinVar:

ClinVar aggregate classification (germline): Uncertain significance (1 of 4 stars; one submission).

Allele frequency attached by ClinVar (database versions not stated): ExAC 0.00002; gnomAD exomes 0.00002; gnomAD 0.00003; TOPMed 0.00004; ESP Exome Variant Server 0.00008; 1000 Genomes Project 30x 0.00016; 1000 Genomes Project 0.00020.
gnomAD v4.1: 37 of 1,614,194 alleles (0.0023%); highest among the groups gnomAD compares: Admixed American, 0.012%; no homozygotes.

Submission:

Labcorp Genetics (formerly Invitae), Labcorp
Classification: Uncertain significance. Last evaluated: 2024-10-17. Review status: criteria provided, single submitter. Criteria: Invitae Variant Classification Sherloc (09022015). Collection method: clinical testing. Allele origin: germline.
Comment: This sequence change replaces glycine, which is neutral and non-polar, with arginine, which is basic and polar, at codon 617 of the LETM1 protein (p.Gly617Arg). This variant is present in population databases (rs373654818, gnomAD 0.02%). This variant has not been reported in the literature in individuals affected with LETM1-related conditions. ClinVar contains an entry for this variant (Variation ID: 2417469). An algorithm developed to predict the effect of missense changes on protein structure and function (PolyPhen-2) suggests that this variant¬†is likely to be tolerated. In summary, the available evidence is currently insufficient to determine the role of this variant in disease. Therefore, it has been classified as a Variant of Uncertain Significance.

NM_012318.3(LETM1):c.1849G>A (p.Gly617Arg)

Gene: LETM1 (leucine zipper and EF-hand containing transmembrane protein 1; minus strand). Cytogenetic location: 4p16.3.
Variant type: single nucleotide variant.
Coding change: c.1849G>A on transcript NM_012318.3 (MANE Select); coding-DNA position 1849, G replaced by A.
Protein change: p.Gly617Arg; replaces glycine 617 with arginine.
Molecular consequence: missense variant.
Genome position (GRCh38, 1-based): chr4:1,816,809, C>T on the plus strand (G>A on the coding strand, the complement: LETM1 is on the minus strand). VCF-style: chr4-1816809-C-T. GRCh37 (hg19) VCF-style: chr4-1818536-C-T.
Other names: short protein forms G617R.
Identifiers: ClinVar variation 2417469 (VCV002417469.5), dbSNP rs373654818, ClinGen allele CA2811148.